The following is an entry in ClinVar:

ClinVar aggregate classification (germline): Uncertain significance (1 of 4 stars; one submission).

Conditions:
Singleton-Merten syndrome 1 (SGMRT1). Also called: Widened medullary cavities of bone, aortic calcification, abnormal dentition, and muscular weakness; Syndrome of widened medullary cavities of the metacarpals and phalanges, aortic calcification and abnormal dentition. Identifiers: Orphanet 85191, MedGen C4225427, MONDO:0024535, OMIM 182250.
Aicardi-Goutieres syndrome 7 (AGS7). Identifiers: Orphanet 51, MedGen C3888244, MONDO:0014367, OMIM 615846.

Allele frequency attached by ClinVar (database versions not stated): TOPMed below 0.00001; gnomAD 0.00001; ExAC 0.00002; gnomAD exomes 0.00002.
gnomAD v4.1: 34 of 1,612,684 alleles (0.0021%); highest among the groups gnomAD compares: Non-Finnish European, 0.0027%; no homozygotes.

Submission:

Labcorp Genetics (formerly Invitae), Labcorp
Classification: Uncertain significance for Aicardi-Goutieres syndrome 7; Singleton-Merten syndrome 1. Last evaluated: 2023-01-13. Review status: criteria provided, single submitter. Criteria: Invitae Variant Classification Sherloc (09022015). Collection method: clinical testing. Allele origin: germline.
Comment: This sequence change replaces isoleucine, which is neutral and non-polar, with methionine, which is neutral and non-polar, at codon 984 of the IFIH1 protein (p.Ile984Met). This variant is present in population databases (rs763680693, gnomAD 0.004%). This variant has not been reported in the literature in individuals affected with IFIH1-related conditions. Advanced modeling of protein sequence and biophysical properties (such as structural, functional, and spatial information, amino acid conservation, physicochemical variation, residue mobility, and thermodynamic stability) has been performed at Invitae for this missense variant, however the output from this modeling did not meet the statistical confidence thresholds required to predict the impact of this variant on IFIH1 protein function. In summary, the available evidence is currently insufficient to determine the role of this variant in disease. Therefore, it has been classified as a Variant of Uncertain Significance.

NM_022168.4(IFIH1):c.2952A>G (p.Ile984Met)

Gene: IFIH1 (interferon induced with helicase C domain 1; minus strand). Cytogenetic location: 2q24.2.
Variant type: single nucleotide variant.
Coding change: c.2952A>G on transcript NM_022168.4 (MANE Select); coding-DNA position 2952, A replaced by G.
Protein change: p.Ile984Met; replaces isoleucine 984 with methionine.
Molecular consequence: missense variant.
Genome position (GRCh38, 1-based): chr2:162,267,326, T>C on the plus strand (A>G on the coding strand, the complement: IFIH1 is on the minus strand). VCF-style: chr2-162267326-T-C. GRCh37 (hg19) VCF-style: chr2-163123836-T-C.
Other names: short protein forms I984M.
Identifiers: ClinVar variation 1925860 (VCV001925860.5), dbSNP rs763680693, ClinGen allele CA1934010.